The following is an entry in ClinVar:

ClinVar aggregate classification (germline): Benign/Likely benign. Review status: criteria provided, multiple submitters, no conflicts (2 of 4 stars). 4 submissions from 4 submitters: Benign (2); Likely benign (1). 1 of the submissions does not count toward it. Last evaluated 2024-08-14.

Conditions:
Luscan-Lumish syndrome. Identifiers: Orphanet 597738, MedGen C4085873, MONDO:0014791, OMIM 616831.
SETD2-related disorder.

Allele frequency attached by ClinVar (database versions not stated): ESP Exome Variant Server 0.00069; 1000 Genomes Project 30x 0.00078; gnomAD 0.00092; TOPMed 0.00099; 1000 Genomes Project 0.00100.
gnomAD v4.1: 327 of 1,614,020 alleles (0.02%); highest among the groups gnomAD compares: African/African-American, 0.34%; no homozygotes.

Submissions (4):

Blueprint Genetics
Classification: Likely benign. Last evaluated: 2024-08-14. Review status: criteria provided, single submitter. Criteria: ACMG Guidelines, 2015. Collection method: clinical testing. Allele origin: germline.

Labcorp Genetics (formerly Invitae), Labcorp
Classification: Benign for Luscan-Lumish syndrome. Last evaluated: 2024-07-09. Review status: criteria provided, single submitter. Criteria: Invitae Variant Classification Sherloc (09022015). Collection method: clinical testing. Allele origin: germline.

CeGaT Center for Human Genetics Tuebingen
Classification: Benign. Last evaluated: 2022-06-01. Review status: criteria provided, single submitter. Criteria: CeGaT Center For Human Genetics Tuebingen Variant Classification Criteria Version 2. Collection method: clinical testing. Allele origin: germline. Affected: yes. Observed: 1 variant allele.
Comment: SETD2: BS1, BS2

PreventionGenetics, part of Exact Sciences
Classification: Likely benign for SETD2-related condition. Last evaluated: 2024-03-14. Review status: no assertion criteria provided. Collection method: clinical testing. Allele origin: germline. Not counted in ClinVar's aggregate classification.
Comment: This variant is classified as likely benign based on ACMG/AMP sequence variant interpretation guidelines (Richards et al. 2015 PMID: 25741868, with internal and published modifications).

NM_014159.7(SETD2):c.4059C>T (p.Ser1353=)

Gene: SETD2 (SET domain containing 2, histone lysine methyltransferase; minus strand). Cytogenetic location: 3p21.31.
Variant type: single nucleotide variant.
Coding change: c.4059C>T on transcript NM_014159.7 (MANE Select); coding-DNA position 4059, C replaced by T.
Protein change: p.Ser1353=; no amino-acid change (serine 1353 retained).
Molecular consequence: synonymous variant. On other transcripts: non-coding transcript variant (1).
Genome position (GRCh38, 1-based): chr3:47,120,577, G>A on the plus strand (C>T on the coding strand, the complement: SETD2 is on the minus strand). VCF-style: chr3-47120577-G-A. GRCh37 (hg19) VCF-style: chr3-47162067-G-A.
Other names: c.3927C>T, p.Ser1309= (NM_001349370.3).
Identifiers: ClinVar variation 475516 (VCV000475516.35), dbSNP rs113560046, ClinGen allele CA2363265.